The following is an entry in ClinVar:

ClinVar aggregate classification (germline): Uncertain significance. Review status: criteria provided, multiple submitters, no conflicts (2 of 4 stars). 2 submissions from 2 submitters: Uncertain significance (2). Last evaluated 2025-06-04.

Conditions:
Houge-Janssens syndrome 1. Also called: Hogue-Janssens syndrome 1; PPP2R5D-Related Neurodevelopmental Disorder; Intellectual disability-macrocephaly-hypotonia-behavioral abnormalities syndrome; INTELLECTUAL DEVELOPMENTAL DISORDER, AUTOSOMAL DOMINANT 35. Identifiers: Orphanet 457279, MedGen C5779996, MONDO:0014602, OMIM 616355.

Allele frequency attached by ClinVar (database versions not stated): gnomAD 0.00001; gnomAD exomes 0.00001; ExAC 0.00002; TOPMed 0.00003.
gnomAD v4.1: 14 of 1,613,984 alleles (0.00087%); highest among the groups gnomAD compares: East Asian, 0.022%; no homozygotes.

Submissions (2):

Labcorp Genetics (formerly Invitae), Labcorp
Classification: Uncertain significance. Last evaluated: 2025-06-04. Review status: criteria provided, single submitter. Criteria: Invitae Variant Classification Sherloc (09022015). Collection method: clinical testing. Allele origin: germline.
Comment: This sequence change replaces isoleucine, which is neutral and non-polar, with valine, which is neutral and non-polar, at codon 435 of the PPP2R5D protein (p.Ile435Val). This variant is present in population databases (rs755300874, gnomAD 0.006%). This variant has not been reported in the literature in individuals affected with PPP2R5D-related conditions. ClinVar contains an entry for this variant (Variation ID: 1363995). An algorithm developed to predict the effect of missense changes on protein structure and function (PolyPhen-2) suggests that this variant is likely to be tolerated. Algorithms developed to predict the effect of sequence changes on RNA splicing suggest that this variant may create or strengthen a splice site. In summary, the available evidence is currently insufficient to determine the role of this variant in disease. Therefore, it has been classified as a Variant of Uncertain Significance.

New York Genome Center
Classification: Uncertain significance for Houge-Janssens syndrome 1. Last evaluated: 2021-08-27. Review status: criteria provided, single submitter. Criteria: NYGC Assertion Criteria 2020. Collection method: clinical testing. Allele origin: inherited. Observed: 1 heterozygote. Study: CSER-NYCKidSeq.

NM_006245.4(PPP2R5D):c.1303A>G (p.Ile435Val)

Gene: PPP2R5D (protein phosphatase 2 regulatory subunit B'delta; plus strand). Cytogenetic location: 6p21.1.
Variant type: single nucleotide variant.
Coding change: c.1303A>G on transcript NM_006245.4 (MANE Select); coding-DNA position 1303, A replaced by G.
Protein change: p.Ile435Val; replaces isoleucine 435 with valine.
Molecular consequence: missense variant.
Genome position (GRCh38, 1-based): chr6:43,009,373, A>G. VCF-style: chr6-43009373-A-G. GRCh37 (hg19) VCF-style: chr6-42977111-A-G.
Other names: c.850A>G, p.Ile284Val (NM_001270476.2); c.1207A>G, p.Ile403Val (NM_180976.3); c.985A>G, p.Ile329Val (NM_180977.3); short protein forms I435V, I284V, I329V, I403V.
Identifiers: ClinVar variation 1363995 (VCV001363995.7), dbSNP rs755300874, ClinGen allele CA3812032.